The following is an entry in ClinVar:

ClinVar aggregate classification (germline): Uncertain significance (1 of 4 stars; one submission).

gnomAD v4.1: 3 of 1,611,100 alleles (0.00019%); highest among the groups gnomAD compares: Non-Finnish European, 0.00025%; no homozygotes.

Submission:

GeneDx
Classification: Uncertain significance. Last evaluated: 2025-02-18. Review status: criteria provided, single submitter. Criteria: GeneDx Variant Classification Process June 2021. Collection method: clinical testing. Allele origin: germline. Affected: yes.
Comment: Not observed at significant frequency in large population cohorts (gnomAD); Has not been previously published as pathogenic or benign to our knowledge; Canonical splice site variant in a gene for which loss-of-function is not an established mechanism of disease

NM_022829.6(SLC13A3):c.378-1G>A

Gene: SLC13A3 (solute carrier family 13 member 3; minus strand). Cytogenetic location: 20q13.12.
Variant type: single nucleotide variant.
Coding change: c.378-1G>A on transcript NM_022829.6 (MANE Select); the canonical splice acceptor site of the intron before coding-DNA position 378, G replaced by A.
Molecular consequence: splice acceptor variant.
Genome position (GRCh38, 1-based): chr20:46,610,610, C>T on the plus strand (G>A on the coding strand, the complement: SLC13A3 is on the minus strand). VCF-style: chr20-46610610-C-T. GRCh37 (hg19) VCF-style: chr20-45239249-C-T.
Other names: c.237-1G>A (NM_001193340.2, NM_001011554.3); c.84-1G>A (NM_001193342.2); c.378-1G>A (NM_001193339.2).
Identifiers: ClinVar variation 4082589 (VCV004082589.1).